The following is an entry in ClinVar:

NM_000179.3(MSH6):c.3700del (p.Glu1234fs)

Gene: MSH6 (mutS homolog 6; plus strand). Cytogenetic location: 2p16.3.
Variant type: Deletion.
Coding change: c.3700del on transcript NM_000179.3 (MANE Select); coding-DNA position 3700, one base deleted (G; older notation c.3700delG).
Protein change: p.Glu1234fs; shifts the reading frame from glutamic acid 1234.
Molecular consequence: frameshift variant. On other transcripts: non-coding transcript variant (5).
Genome position (GRCh38, 1-based): chr2:47,806,257, G deleted. VCF-style (leftmost placement, unchanged base first): chr2-47806256-AG-A. GRCh37 (hg19) VCF-style: chr2-48033395-AG-A.
Other names: c.3310del, p.Glu1104fs (NM_001281492.2); c.2794del, p.Glu932fs (NM_001281493.2, NM_001281494.2, NM_001406811.1 and 6 more transcripts); c.3796del, p.Glu1266fs (NM_001406795.1, NM_001406802.1); c.3700del, p.Glu1234fs (NM_001406796.1, NM_001406800.1, NM_001406808.1 and 1 more transcripts); c.3403del, p.Glu1135fs (NM_001406797.1, NM_001406801.1, NM_001406805.1 and 10 more transcripts); c.3526del, p.Glu1176fs (NM_001406798.1); c.3175del, p.Glu1059fs (NM_001406799.1, NM_001406806.1, NM_001406807.1); c.2836del, p.Glu946fs (NM_001406803.1); and 8 more; short protein forms E1059fs, E1104fs, E1135fs, E1176fs, E1178fs, E1208fs, E1234fs, E1236fs.
Identifiers: ClinVar variation 3630036 (VCV003630036.1).

ClinVar aggregate classification (germline): Pathogenic (1 of 4 stars; one submission).

Conditions:
Hereditary nonpolyposis colon cancer (HNPCC). Also called: Hereditary nonpolyposis colorectal cancer; Familial nonpolyposis colon cancer; Hereditary Nonpolyposis Colorectal Cancer Syndrome. Identifiers: Orphanet 443909, MedGen C1333990, MONDO:0018630. Disease mechanism: loss of function.

Submission:

Women's Health and Genetics/Laboratory Corporation of America, LabCorp
Classification: Pathogenic for Hereditary nonpolyposis colon cancer. Last evaluated: 2024-11-18. Review status: criteria provided, single submitter. Criteria: LabCorp Variant Classification Summary - May 2015. Collection method: clinical testing. Allele origin: germline.
Comment: Variant summary: MSH6 c.3700delG (p.Glu1234AsnfsX6) results in a premature termination codon, predicted to cause absence of the protein due to nonsense mediated decay, which is a commonly known mechanism for disease. The variant was absent in 251224 control chromosomes. To our knowledge, no occurrence of c.3700delG in individuals affected with Hereditary Nonpolyposis Colorectal Cancer and no experimental evidence demonstrating its impact on protein function have been reported. No submitters have cited clinical-significance assessments for this variant to ClinVar. Based on the evidence outlined above, the variant was classified as pathogenic.